The following is an entry in ClinVar:

ClinVar aggregate classification (germline): Conflicting classifications of pathogenicity. Review status: criteria provided, conflicting classifications (1 of 4 stars). 5 submissions from 5 submitters: Uncertain significance (4); Benign (1). Last evaluated 2026-04-29.

Conditions:
Renal cell carcinoma. Identifiers: Orphanet 217071, MedGen C0007134, MeSH D002292, MONDO:0005086, HP:0005584.
MET-related disorder. Also called: MET-related condition.
Hereditary cancer-predisposing syndrome. Also called: Neoplastic Syndromes, Hereditary; Tumor predisposition; Hereditary Cancer Syndrome; Hereditary neoplastic syndrome. Identifiers: Orphanet 140162, MedGen C0027672, MeSH D009386, MONDO:0015356.

Allele frequency attached by ClinVar (database versions not stated): gnomAD 0.00001 and 0.00002; TOPMed 0.00002; ESP Exome Variant Server 0.00008.
gnomAD v4.1: 42 of 1,613,838 alleles (0.0026%); highest among the groups gnomAD compares: Non-Finnish European, 0.0035%; no homozygotes.

Submissions (5):

Ambry Genetics
Classification: Benign for Hereditary cancer-predisposing syndrome. Last evaluated: 2026-04-29. Review status: criteria provided, single submitter. Criteria: Ambry Variant Classification Scheme 2023. Collection method: clinical testing. Allele origin: germline.

Labcorp Genetics (formerly Invitae), Labcorp
Classification: Uncertain significance for Renal cell carcinoma. Last evaluated: 2025-07-14. Review status: criteria provided, single submitter. Criteria: Invitae Variant Classification Sherloc (09022015). Collection method: clinical testing. Allele origin: germline.
Comment: This sequence change replaces asparagine, which is neutral and polar, with aspartic acid, which is acidic and polar, at codon 1371 of the MET protein (p.Asn1371Asp). This variant is present in population databases (rs374383028, gnomAD 0.007%). This variant has not been reported in the literature in individuals affected with MET-related conditions. ClinVar contains an entry for this variant (Variation ID: 216509). Invitae Evidence Modeling of protein sequence and biophysical properties (such as structural, functional, and spatial information, amino acid conservation, physicochemical variation, residue mobility, and thermodynamic stability) indicates that this missense variant is expected to disrupt MET protein function with a positive predictive value of 80%. In summary, the available evidence is currently insufficient to determine the role of this variant in disease. Therefore, it has been classified as a Variant of Uncertain Significance.

Quest Diagnostics Nichols Institute San Juan Capistrano
Classification: Uncertain significance. Last evaluated: 2025-07-09. Review status: criteria provided, single submitter. Criteria: Quest Diagnostics criteria. Collection method: clinical testing. Allele origin: unknown.

PreventionGenetics, part of Exact Sciences
Classification: Uncertain significance for MET-related condition. Last evaluated: 2025-05-20. Review status: criteria provided, single submitter. Criteria: ACMG Guidelines, 2015. Collection method: clinical testing. Allele origin: germline.
Comment: The MET c.4111A>G variant is predicted to result in the amino acid substitution p.Asn1371Asp. To our knowledge, this variant has not been reported in the literature. This variant is reported in 0.0065% of alleles in individuals of African descent in gnomAD. At this time, the clinical significance of this variant is uncertain due to the absence of conclusive functional and genetic evidence.

GeneDx
Classification: Uncertain significance. Last evaluated: 2024-07-01. Review status: criteria provided, single submitter. Criteria: GeneDx Variant Classification Process June 2021. Collection method: clinical testing. Allele origin: germline. Affected: yes.
Comment: Not observed at significant frequency in large population cohorts (gnomAD); In silico analysis indicates that this missense variant does not alter protein structure/function; Has not been previously published as pathogenic or benign to our knowledge

NM_000245.4(MET):c.4057A>G (p.Asn1353Asp)

Gene: MET (MET proto-oncogene, receptor tyrosine kinase; plus strand). Cytogenetic location: 7q31.2.
Variant type: single nucleotide variant.
Coding change: c.4057A>G on transcript NM_000245.4 (MANE Select); coding-DNA position 4057, A replaced by G.
Protein change: p.Asn1353Asp; replaces asparagine 1353 with aspartic acid.
Molecular consequence: missense variant.
Genome position (GRCh38, 1-based): chr7:116,796,008, A>G. VCF-style: chr7-116796008-A-G. GRCh37 (hg19) VCF-style: chr7-116436062-A-G.
Other names: c.4111A>G (LRG_662t1, NM_001127500.2); c.4111A>G, p.Asn1371Asp (NM_001127500.3); c.2767A>G, p.Asn923Asp (NM_001324402.2); short protein forms N1371D, N1353D, N923D.
Identifiers: ClinVar variation 216509 (VCV000216509.20), dbSNP rs374383028, ClinGen allele CA335988.
Genomic context (GRCh38, chr7:116,796,008, plus strand): 5'-CTGGTGTCCCGGATATCAGCGATCTTCTCTACTTTCATTGGGGAGCACTATGTCCATGTG[A>G]ACGCTACTTATGTGAACGTAAAATGTGTCGCTCCGTATCCTTCTCTGTTGTCATCAGAAG-3'
Protein context (NP_000236.2, residues 1343-1363): TFIGEHYVHV[Asn1353Asp]ATYVNVKCVA